The following is an entry in ClinVar:

NM_000257.4(MYH7):c.949G>C (p.Glu317Gln)

Gene: MYH7 (myosin heavy chain 7; minus strand). Cytogenetic location: 14q11.2.
Variant type: single nucleotide variant.
Coding change: c.949G>C on transcript NM_000257.4 (MANE Select); coding-DNA position 949, G replaced by C.
Protein change: p.Glu317Gln; replaces glutamic acid 317 with glutamine.
Molecular consequence: missense variant.
Genome position (GRCh38, 1-based): chr14:23,430,610, C>G on the plus strand (G>C on the coding strand, the complement: MYH7 is on the minus strand). VCF-style: chr14-23430610-C-G. GRCh37 (hg19) VCF-style: chr14-23899819-C-G.
Other names: c.949G>C, p.Glu317Gln (NM_001407004.1); short protein forms E317Q.
Identifiers: ClinVar variation 2167407 (VCV002167407.4), dbSNP rs759082137, ClinGen allele CA049784.

ClinVar aggregate classification (germline): Uncertain significance (1 of 4 stars; one submission).

Conditions:
Hypertrophic cardiomyopathy. Also called: HYPERTROPHIC MYOCARDIOPATHY. Identifiers: Orphanet 217569, MedGen C0007194, MeSH D002312, MONDO:0005045, HP:0001639.

Allele frequency attached by ClinVar (database versions not stated): gnomAD exomes below 0.00001; ExAC 0.00001.

Submission:

Labcorp Genetics (formerly Invitae), Labcorp
Classification: Uncertain significance for Hypertrophic cardiomyopathy. Last evaluated: 2022-01-17. Review status: criteria provided, single submitter. Criteria: Invitae Variant Classification Sherloc (09022015). Collection method: clinical testing. Allele origin: germline.
Comment: In summary, the available evidence is currently insufficient to determine the role of this variant in disease. Therefore, it has been classified as a Variant of Uncertain Significance. This variant is found within a region of MYH7 between codons 181 and 937 that contains the majority of the myosin head domain. Missense variants in this region have been shown to be significantly overrepresented in individuals with hypertrophic cardiomyopathy (PMID: 27532257). Algorithms developed to predict the effect of missense changes on protein structure and function are either unavailable or do not agree on the potential impact of this missense change (SIFT: "Deleterious"; PolyPhen-2: "Possibly Damaging"; Align-GVGD: "Class C0"). This variant has not been reported in the literature in individuals affected with MYH7-related conditions. This variant is present in population databases (rs759082137, gnomAD 0.003%). This sequence change replaces glutamic acid, which is acidic and polar, with glutamine, which is neutral and polar, at codon 317 of the MYH7 protein (p.Glu317Gln).

Literature cited by the submitters: PubMed 27532257.